The following is an entry in ClinVar:

NM_001164508.2(NEB):c.20447G>A (p.Arg6816Gln)

Gene: NEB (nebulin; minus strand). Cytogenetic location: 2q23.3.
Variant type: single nucleotide variant.
Coding change: c.20447G>A on transcript NM_001164508.2 (MANE Select); coding-DNA position 20447, G replaced by A.
Protein change: p.Arg6816Gln; replaces arginine 6816 with glutamine.
Molecular consequence: missense variant.
Genome position (GRCh38, 1-based): chr2:151,546,364, C>T on the plus strand (G>A on the coding strand, the complement: NEB is on the minus strand). VCF-style: chr2-151546364-C-T. GRCh37 (hg19) VCF-style: chr2-152402878-C-T.
Other names: c.20447G>A, p.Arg6816Gln (NM_001164507.2, NM_001271208.2); c.15344G>A, p.Arg5115Gln (NM_004543.5); c.15344G>A (NM_004543.4); short protein forms R5115Q, R6816Q.
Identifiers: ClinVar variation 1962243 (VCV001962243.10), dbSNP rs199875722, ClinGen allele CA1907301.
Genomic context (GRCh38, chr2:151,546,364, plus strand): 5'-TGTGCGGGGGGTAATTATGCATTGTGATGATGTGCACTCACCCAGAGCTTCCGCAGGTGC[C>T]GGGAGCGGACCATGTCAGGAGTGTCATACAGGAAGCAGCCAAATCCCTTCAGGACCTGCA-3'
Protein context (NP_001157980.2, residues 6806-6826): LYDTPDMVRS[Arg6816Gln]HLRKLWSNYL

ClinVar aggregate classification (germline): Conflicting classifications of pathogenicity. Review status: criteria provided, conflicting classifications (1 of 4 stars). 4 submissions from 4 submitters: Uncertain significance (3); Likely benign (1). Last evaluated 2025-12-09.

Conditions:
Inborn genetic diseases. Identifiers: MedGen C0950123, MeSH D030342.
Nemaline myopathy 2 (NEM2). Also called: Nemaline myopathy 2, autosomal recessive. Identifiers: MedGen C1850569, MONDO:0009725, OMIM 256030.

Allele frequency attached by ClinVar (database versions not stated): 1000 Genomes Project 30x 0.00016; TOPMed 0.00005; gnomAD 0.00007; ESP Exome Variant Server 0.00008; 1000 Genomes Project 0.00020.
gnomAD v4.1: 123 of 1,612,460 alleles (0.0076%); highest among the groups gnomAD compares: Non-Finnish European, 0.0094%; no homozygotes.

Submissions (4):

Labcorp Genetics (formerly Invitae), Labcorp
Classification: Likely benign for Nemaline myopathy 2. Last evaluated: 2025-12-09. Review status: criteria provided, single submitter. Criteria: Invitae Variant Classification Sherloc (09022015). Collection method: clinical testing. Allele origin: germline.

Ambry Genetics
Classification: Uncertain significance for Inborn genetic diseases. Last evaluated: 2025-03-22. Review status: criteria provided, single submitter. Criteria: Ambry Variant Classification Scheme 2023. Collection method: clinical testing. Allele origin: germline.

GeneDx
Classification: Uncertain significance. Last evaluated: 2024-10-11. Review status: criteria provided, single submitter. Criteria: GeneDx Variant Classification Process June 2021. Collection method: clinical testing. Allele origin: germline. Affected: yes.
Comment: Has not been previously published as pathogenic or benign to our knowledge; In silico analysis indicates that this missense variant does not alter protein structure/function; Not observed at significant frequency in large population cohorts (gnomAD)

Revvity Omics, Revvity
Classification: Uncertain significance. Last evaluated: 2019-06-26. Review status: criteria provided, single submitter. Criteria: ACMG Guidelines, 2015. Collection method: clinical testing. Allele origin: germline.